The following is an entry in ClinVar:

NM_000038.6(APC):c.5889T>C (p.Phe1963=)

Gene: APC (APC regulator of Wnt signaling pathway; plus strand). Cytogenetic location: 5q22.2.
Variant type: single nucleotide variant.
Coding change: c.5889T>C on transcript NM_000038.6 (MANE Select); coding-DNA position 5889, T replaced by C.
Protein change: p.Phe1963=; no amino-acid change (phenylalanine 1963 retained).
Molecular consequence: synonymous variant. On other transcripts: non-coding transcript variant (2).
Genome position (GRCh38, 1-based): chr5:112,841,483, T>C. VCF-style: chr5-112841483-T-C. GRCh37 (hg19) VCF-style: chr5-112177180-T-C.
Other names: c.5502T>C, p.Phe1834= (NM_001407469.1, NM_001407467.1); c.5040T>C, p.Phe1680= (NM_001407470.1, NM_001354906.2); c.4737T>C, p.Phe1579= (NM_001407471.1, NM_001407472.1); c.5889T>C, p.Phe1963= (NM_001127510.3, NM_001354895.2, NM_001407450.1); c.5835T>C, p.Phe1945= (NM_001127511.3); c.5943T>C, p.Phe1981= (NM_001354896.2, NM_001407447.1, NM_001407448.1 and 1 more transcripts); c.5919T>C, p.Phe1973= (NM_001354897.2); c.5814T>C, p.Phe1938= (NM_001354898.2); and 11 more.
Identifiers: ClinVar variation 3254463 (VCV003254463.1), dbSNP rs2149951887.

ClinVar aggregate classification (germline): Benign (1 of 4 stars; one submission).

Conditions:
Familial adenomatous polyposis 1 (FAP1). Also called: FAMILIAL ADENOMATOUS POLYPOSIS 1, ATTENUATED; POLYPOSIS, ADENOMATOUS INTESTINAL. Identifiers: MedGen C2713442, MONDO:0021056, OMIM 175100. Disease mechanism: loss of function.

Submission:

Myriad Genetics, Inc.
Classification: Benign for Familial adenomatous polyposis 1. Last evaluated: 2024-04-03. Review status: criteria provided, single submitter. Criteria: Myriad Autosomal Dominant, Autosomal Recessive and X-Linked Classification Criteria (2023). Collection method: clinical testing. Allele origin: unknown.
Comment: This variant is considered benign. This variant is a silent/synonymous amino acid change and it is not expected to impact splicing.